The following is an entry in ClinVar:

NM_001126108.2(SLC12A3):c.2153G>A (p.Arg718His)

Gene: SLC12A3 (solute carrier family 12 member 3; plus strand). Cytogenetic location: 16q13.
Variant type: single nucleotide variant.
Coding change: c.2153G>A on transcript NM_001126108.2 (MANE Select); coding-DNA position 2153, G replaced by A.
Protein change: p.Arg718His; replaces arginine 718 with histidine.
Molecular consequence: missense variant.
Genome position (GRCh38, 1-based): chr16:56,887,068, G>A. VCF-style: chr16-56887068-G-A. GRCh37 (hg19) VCF-style: chr16-56920980-G-A.
Other names: c.2153G>A, p.Arg718His (NM_000339.3); c.2150G>A, p.Arg717His (NM_001126107.2); short protein forms R718H, R717H.
Identifiers: ClinVar variation 887610 (VCV000887610.7), dbSNP rs748652939, ClinGen allele CA8069751.

ClinVar aggregate classification (germline): Uncertain significance. Review status: criteria provided, multiple submitters, no conflicts (2 of 4 stars). 3 submissions from 3 submitters: Uncertain significance (3). Last evaluated 2024-06-11.

Conditions:
Familial hypokalemia-hypomagnesemia (GTLMNS). Also called: HYPOMAGNESEMIA-HYPOKALEMIA, PRIMARY RENOTUBULAR, WITH HYPOCALCIURIA; POTASSIUM AND MAGNESIUM DEPLETION; gitelman syndrome. Identifiers: Orphanet 358, MedGen C0268450, MONDO:0009904, OMIM 263800.

Allele frequency attached by ClinVar (database versions not stated): gnomAD exomes 0.00001 and 0.00002; gnomAD 0.00004 and 0.00003; TOPMed 0.00004; ExAC 0.00001.
gnomAD v4.1: 39 of 1,613,888 alleles (0.0024%); highest among the groups gnomAD compares: African/African-American, 0.0053%; no homozygotes.

Submissions (3):

Fulgent Genetics
Classification: Uncertain significance for Familial hypokalemia-hypomagnesemia. Last evaluated: 2024-06-11. Review status: criteria provided, single submitter. Criteria: ACMG Guidelines, 2015. Collection method: clinical testing. Allele origin: germline.

Labcorp Genetics (formerly Invitae), Labcorp
Classification: Uncertain significance. Last evaluated: 2022-02-22. Review status: criteria provided, single submitter. Criteria: Invitae Variant Classification Sherloc (09022015). Collection method: clinical testing. Allele origin: germline.
Comment: This sequence change replaces arginine, which is basic and polar, with histidine, which is basic and polar, at codon 718 of the SLC12A3 protein (p.Arg718His). This variant is present in population databases (rs748652939, gnomAD 0.002%). This variant has not been reported in the literature in individuals affected with SLC12A3-related conditions. ClinVar contains an entry for this variant (Variation ID: 887610). Algorithms developed to predict the effect of missense changes on protein structure and function are either unavailable or do not agree on the potential impact of this missense change (SIFT: "Tolerated"; PolyPhen-2: "Probably Damaging"; Align-GVGD: "Class C0"). In summary, the available evidence is currently insufficient to determine the role of this variant in disease. Therefore, it has been classified as a Variant of Uncertain Significance.

Illumina Laboratory Services, Illumina
Classification: Uncertain significance for Familial hypokalemia-hypomagnesemia. Last evaluated: 2018-01-13. Review status: criteria provided, single submitter. Criteria: ICSL Variant Classification Criteria 13 December 2019. Collection method: clinical testing. Allele origin: germline.